The following is an entry in ClinVar:

NM_022916.6(VPS33A):c.523G>A (p.Ala175Thr)

Gene: VPS33A (VPS33A core subunit of CORVET and HOPS complexes; minus strand). Cytogenetic location: 12q24.31.
Variant type: single nucleotide variant.
Coding change: c.523G>A on transcript NM_022916.6 (MANE Select); coding-DNA position 523, G replaced by A.
Protein change: p.Ala175Thr; replaces alanine 175 with threonine.
Molecular consequence: missense variant.
Genome position (GRCh38, 1-based): chr12:122,251,060, C>T on the plus strand (G>A on the coding strand, the complement: VPS33A is on the minus strand). VCF-style: chr12-122251060-C-T. GRCh37 (hg19) VCF-style: chr12-122735607-C-T.
Other names: c.523G>A (NM_022916.4); c.490G>A, p.Ala164Thr (NM_001351018.2); c.475G>A, p.Ala159Thr (NM_001351019.2); c.523G>A, p.Ala175Thr (NM_001351020.2); short protein forms A175T, A164T, A159T.
Identifiers: ClinVar variation 1400639 (VCV001400639.6), dbSNP rs200143325, ClinGen allele CA6844574.

ClinVar aggregate classification (germline): Uncertain significance. Review status: criteria provided, multiple submitters, no conflicts (2 of 4 stars). 2 submissions from 2 submitters: Uncertain significance (2). Last evaluated 2025-11-10.

Allele frequency attached by ClinVar (database versions not stated): TOPMed 0.00005; gnomAD 0.00006; gnomAD exomes 0.00010 and 0.00012; ExAC 0.00011; 1000 Genomes Project 0.00020; 1000 Genomes Project 30x 0.00031.
gnomAD v4.1: 184 of 1,614,154 alleles (0.011%); highest among the groups gnomAD compares: East Asian, 0.018%; no homozygotes.

Submissions (2):

Labcorp Genetics (formerly Invitae), Labcorp
Classification: Uncertain significance. Last evaluated: 2025-11-10. Review status: criteria provided, single submitter. Criteria: Invitae Variant Classification Sherloc (09022015). Collection method: clinical testing. Allele origin: germline.
Comment: This sequence change replaces alanine, which is neutral and non-polar, with threonine, which is neutral and polar, at codon 175 of the VPS33A protein (p.Ala175Thr). This variant is present in population databases (rs200143325, gnomAD 0.08%). This variant has not been reported in the literature in individuals affected with VPS33A-related conditions. ClinVar contains an entry for this variant (Variation ID: 1400639). Invitae Evidence Modeling of protein sequence and biophysical properties (such as structural, functional, and spatial information, amino acid conservation, physicochemical variation, residue mobility, and thermodynamic stability) indicates that this missense variant is not expected to disrupt VPS33A protein function with a negative predictive value of 80%. In summary, the available evidence is currently insufficient to determine the role of this variant in disease. Therefore, it has been classified as a Variant of Uncertain Significance.

Ambry Genetics
Classification: Uncertain significance. Last evaluated: 2025-04-17. Review status: criteria provided, single submitter. Criteria: Ambry Variant Classification Scheme 2023. Collection method: clinical testing. Allele origin: germline.